The following continues an entry in ClinVar:

NM_002755.4(MAP2K1):c.389A>G (p.Tyr130Cys)

Gene: MAP2K1. ClinVar aggregate classification (germline): Pathogenic. Pathogenic (1). ClinVar aggregate classification (oncogenicity): Likely oncogenic.

Submissions 24 to 37 of 37:

Laboratory for Molecular Medicine, Mass General Brigham Personalized Medicine
Classification: Pathogenic for Cardio-facio-cutaneous syndrome. Last evaluated: 2016-08-30. Review status: criteria provided, single submitter. Criteria: LMM Criteria. Collection method: clinical testing. Allele origin: germline. Observed: 5 variant alleles. Not counted in ClinVar's aggregate classification.
Comment: The p.Tyr130Cys variant in MAP2K1 has been reported in >15 individuals with clin ical features of Cardio-facio-cutaneous (CFC) syndrome and occurred de novo in a t least 10 individuals (Rodriguez-Viciana 2006, Gripp 2007, Narumi 2007, Schulz 2008, Dentici 2009, LMM data). This variant was absent from large population stu dies. In vitro functional studies provide some evidence that this variant may im pact protein function (Rodriguez-Viciana 2006). Computational prediction tools a nd conservation analysis suggest that the p.Tyr130Cys variant may impact the pro tein, though this information is not predictive enough to determine pathogenicit y. In summary, this variant meets criteria to be classified as pathogenic for CF C in an autosomal dominant manner based on multiple de novo occurrences and abse nce from controls.

Eurofins Ntd Llc (ga)
Classification: Pathogenic. Last evaluated: 2016-05-11. Review status: criteria provided, single submitter. Criteria: EGL Classification Definitions 2015. Collection method: clinical testing. Allele origin: germline. Observed: 1 variant allele, 1 heterozygote. Not counted in ClinVar's aggregate classification.

Women's Health and Genetics/Laboratory Corporation of America, LabCorp
Classification: Pathogenic for Cardio-facio-cutaneous syndrome. Last evaluated: 2016-04-26. Review status: criteria provided, single submitter. Criteria: LabCorp Variant Classification Summary - May 2015. Collection method: clinical testing. Allele origin: germline. Not counted in ClinVar's aggregate classification.
Comment: Variant summary: The c.389A>G variant affects a conserved nucleotide, resulting in amino acid change from Tyr to Cys. 4/4 in-silico tools predict damaging outcome for this variant. This variant is not found in approximately 121830 control chromosomes. The variant has been reported in several CFC patients including multiple confirmed de novo occurrences, a very strong evidence for pathogenic outcome. A functional study by Rodriguez-Viciana et al 2006 also showed the variant to have an activating effect on ERK phosphorylation, consistent with disease mechanism in CFC. Several clinical laboratories/reputable databases have classified this variant as pathogenic. Taken together, this variant has been classified as Pathogenic.

Molecular Diagnostics Lab, Nemours Children's Health, Delaware
Classification: Pathogenic. Last evaluated: 2015-07-21. Review status: criteria provided, single submitter. Criteria: ACMG Guidelines, 2015. Collection method: clinical testing. Allele origin: unknown. Affected: yes. Observed: 1 variant allele. Not counted in ClinVar's aggregate classification.

Courtagen Diagnostics Laboratory, Courtagen Life Sciences
Classification: Pathogenic for Cardiofaciocutaneous syndrome 3. Last evaluated: 2013-12-20. Review status: criteria provided, single submitter. Criteria: Courtagen Life Sciences Classifications. Collection method: clinical testing. Allele origin: germline. Affected: yes. Not counted in ClinVar's aggregate classification.

PreventionGenetics, part of Exact Sciences
Classification: Pathogenic for MAP2K1-related condition. Last evaluated: 2024-04-29. Review status: no assertion criteria provided. Collection method: clinical testing. Allele origin: germline. Not counted in ClinVar's aggregate classification.
Comment: The MAP2K1 c.389A>G variant is predicted to result in the amino acid substitution p.Tyr130Cys. This variant has been reported in multiple individuals to be causative for cardio-facio-cutaneous (CFC) Syndrome (e.g., Rodriguez-Viciana et al. 2006. PubMed ID: 16439621; Çelik et al. 2014. PubMed ID: 24637312). In at least some of these individuals, this variant was reported to have arisen de novo (Ziats et al. 2020. PubMed ID: 31618753; Wang et al. 2020. PubMed ID: 32335888; Shieh et al. 2021. PubMed ID: 34556655). Functional studies have shown that this variant disrupts MAP2K1 protein function (Rodriguez-Viciana et al. 2006. PubMed ID: 16439621; Anastasaki et al. 2009. PubMed ID: 19376813). This variant is reported in 0.00088% of alleles in individuals of European (Non-Finnish) descent in gnomAD. This variant is interpreted as pathogenic.

Center for Molecular Medicine, Children’s Hospital of Fudan University
Classification: Pathogenic for Cardiofaciocutaneous syndrome 3. Last evaluated: 2022-02-08. Review status: no assertion criteria provided. Collection method: clinical testing. Allele origin: de novo. Affected: yes. Not counted in ClinVar's aggregate classification.

Pediatric Genetics Clinic, Sheba Medical Center
Classification: Pathogenic for Cardiofaciocutaneous syndrome 3. Last evaluated: 2021-05-13. Review status: no assertion criteria provided. Collection method: clinical testing. Allele origin: de novo. Affected: yes. Observed: 1 heterozygote. Not counted in ClinVar's aggregate classification.

Shieh Lab, University of California, San Francisco
Classification: Pathogenic for Cardiofaciocutaneous syndrome 3. Last evaluated: 2020-10-19. Review status: no assertion criteria provided. Collection method: research. Allele origin: germline. Affected: yes. Not counted in ClinVar's aggregate classification.

OMIM
Classification: Pathogenic for CARDIOFACIOCUTANEOUS SYNDROME 3. Last evaluated: 2007-07-01. Review status: no assertion criteria provided. Collection method: literature only. Allele origin: germline. Not counted in ClinVar's aggregate classification.

GeneReviews
No classification provided. Condition: Cardio-facio-cutaneous syndrome. Review status: no classification provided. Collection method: literature only. Allele origin: germline. Affected: yes. Not counted in ClinVar's aggregate classification.

Genome Diagnostics Laboratory, Amsterdam University Medical Center
Classification: Pathogenic. Review status: no assertion criteria provided. Collection method: clinical testing. Allele origin: germline. Affected: yes. Study: VKGL Data-share Consensus. Not counted in ClinVar's aggregate classification.

Joint Genome Diagnostic Labs from Nijmegen and Maastricht, Radboudumc and MUMC+
Classification: Pathogenic. Review status: no assertion criteria provided. Collection method: clinical testing. Allele origin: germline. Affected: yes. Study: VKGL Data-share Consensus. Not counted in ClinVar's aggregate classification.

Molecular Genetics, Centre for Human Genetics
Classification: Pathogenic for Noonan syndrome 1. Review status: no assertion criteria provided. Collection method: clinical testing. Allele origin: de novo. Inheritance: Autosomal dominant inheritance. Affected: yes. Observed: 1 variant allele. Not counted in ClinVar's aggregate classification.

Literature cited by the submitters: PubMed 18413255 (cited by 5 submitters); PubMed 17981815 (cited by 6 submitters); PubMed 18042262 (cited by 6 submitters); PubMed 23093928 (cited by 4 submitters); PubMed 17551924 (cited by 8 submitters); PubMed 16439621 (cited by 13 submitters); PubMed 27862862 (cited by 3 submitters); PubMed 30087384 (cited by Victorian Clinical Genetics Services, Murdoch Childrens Research Institute); PubMed 24637312 (cited by 5 submitters); PubMed 26350204 (cited by Variantyx, Inc. and Labcorp Genetics (formerly Invitae), Labcorp); PubMed 29590634 (cited by Variantyx, Inc.); PubMed 31618753 (cited by Variantyx, Inc.); PubMed 32369273 (cited by Variantyx, Inc.); PubMed 28049852 (cited by Variantyx, Inc.); PubMed 32335888 (cited by Variantyx, Inc.); PubMed 34556655 (cited by Variantyx, Inc.); PubMed 34580403 (cited by Variantyx, Inc.); PubMed 17366577 (cited by 5 submitters); PubMed 18854871 (cited by Labcorp Genetics (formerly Invitae), Labcorp); PubMed 26795593 (cited by Labcorp Genetics (formerly Invitae), Labcorp); PubMed 19376813 (cited by Labcorp Genetics (formerly Invitae), Labcorp); PubMed 29753091 (cited by Center for Genomic Medicine, Rigshospitalet, Copenhagen University Hospital); PubMed 31972311 (cited by Center for Genomic Medicine, Rigshospitalet, Copenhagen University Hospital); PubMed 22177953 (cited by Ambry Genetics); PubMed 24101678 (cited by Ambry Genetics); PubMed 39086472 (cited by Ambry Genetics); PubMed 25326635 (cited by Baylor Genetics); PubMed 15917206 (cited by Dasa); PubMed 12612583 (cited by Dasa); PubMed 31942422 (cited by Dasa); PubMed 16538226 (cited by Dasa); PubMed 19156172 (cited by 4 submitters); PubMed 17567882 (cited by 3 submitters); PubMed 22848035 (cited by Women's Health and Genetics/Laboratory Corporation of America, LabCorp); PubMed 24236184 (cited by Women's Health and Genetics/Laboratory Corporation of America, LabCorp); PubMed 18632602 (cited by Women's Health and Genetics/Laboratory Corporation of America, LabCorp); NCBI Bookshelf NBK1186 (cited by GeneReviews).